The following is an entry in ClinVar:

ClinVar aggregate classification (germline): Uncertain significance (1 of 4 stars; one submission).

Conditions:
Emery-Dreifuss muscular dystrophy 5, autosomal dominant (EDMD5). Also called: EMERY-DREIFUSS MUSCULAR DYSTROPHY 5. Identifiers: Orphanet 261, MedGen C2751805, MONDO:0013072, OMIM 612999.

gnomAD v4.1: 2 of 1,614,228 alleles (0.00012%); highest among the groups gnomAD compares: African/African-American, 0.0013%; no homozygotes.

Submission:

Labcorp Genetics (formerly Invitae), Labcorp
Classification: Uncertain significance for Emery-Dreifuss muscular dystrophy 5, autosomal dominant. Last evaluated: 2024-03-25. Review status: criteria provided, single submitter. Criteria: Invitae Variant Classification Sherloc (09022015). Collection method: clinical testing. Allele origin: germline.
Comment: This sequence change replaces cysteine, which is neutral and slightly polar, with arginine, which is basic and polar, at codon 2356 of the SYNE2 protein (p.Cys2356Arg). This variant is not present in population databases (gnomAD no frequency). This variant has not been reported in the literature in individuals affected with SYNE2-related conditions. An algorithm developed to predict the effect of missense changes on protein structure and function (PolyPhen-2) suggests that this variant is likely to be tolerated. In summary, the available evidence is currently insufficient to determine the role of this variant in disease. Therefore, it has been classified as a Variant of Uncertain Significance.

NM_182914.3(SYNE2):c.7066T>C (p.Cys2356Arg)

Gene: SYNE2 (spectrin repeat containing nuclear envelope protein 2; plus strand). Cytogenetic location: 14q23.2.
Variant type: single nucleotide variant.
Coding change: c.7066T>C on transcript NM_182914.3 (MANE Select); coding-DNA position 7066, T replaced by C.
Protein change: p.Cys2356Arg; replaces cysteine 2356 with arginine.
Molecular consequence: missense variant.
Genome position (GRCh38, 1-based): chr14:64,031,202, T>C. VCF-style: chr14-64031202-T-C. GRCh37 (hg19) VCF-style: chr14-64497920-T-C.
Other names: c.7066T>C, p.Cys2356Arg (NM_015180.6); short protein forms C2356R.
Identifiers: ClinVar variation 3674197 (VCV003674197.2).